The following is an entry in ClinVar:

NM_000497.4(CYP11B1):c.64C>T (p.Gln22Ter)

Genes: CYP11B1 (cytochrome P450 family 11 subfamily B member 1; minus strand), LOC110673972 (CYP11B1 promoter; plus strand). Cytogenetic location: 8q24.3.
Variant type: single nucleotide variant.
Coding change: c.64C>T on transcript NM_000497.4 (MANE Select); coding-DNA position 64, C replaced by T.
Protein change: p.Gln22Ter; replaces glutamine 22 with a stop codon.
Molecular consequence: nonsense.
Genome position (GRCh38, 1-based): chr8:142,879,750, G>A on the plus strand (C>T on the coding strand, the complement: CYP11B1 is on the minus strand). VCF-style: chr8-142879750-G-A. GRCh37 (hg19) VCF-style: chr8-143961166-G-A.
Other names: c.64C>T, p.Gln22Ter (NM_001026213.1); short protein forms Q22*.
Identifiers: ClinVar variation 5003625 (VCV005003625.1).

ClinVar aggregate classification (germline): Pathogenic (1 of 4 stars; one submission).

Conditions:
Deficiency of steroid 11-beta-monooxygenase (CYP11B1). Also called: ADRENAL HYPERPLASIA, CONGENITAL, DUE TO STEROID 11-BETA-HYDROXYLASE DEFICIENCY; P450C11B1 DEFICIENCY; STEROID 11-BETA-HYDROXYLASE DEFICIENCY; Congenital adrenal hyperplasia due to 11-beta-hydroxylase deficiency; 11-BETA-HYDROXYLASE DEFICIENCY; ADRENAL HYPERPLASIA IV. Identifiers: Orphanet 90795, MedGen C0268292, MONDO:0008729, OMIM 202010. Disease mechanism: loss of function.

Submission:

Myriad Genetics, Inc.
Classification: Pathogenic for Deficiency of steroid 11-beta-monooxygenase. Last evaluated: 2025-09-23. Review status: criteria provided, single submitter. Criteria: Myriad Autosomal Dominant, Autosomal Recessive and X-Linked Classification Criteria (2023). Collection method: clinical testing. Allele origin: unknown.
Comment: NM_000497.3(CYP11B1):c.64C>T(Q22*) is a nonsense variant classified as pathogenic in the context of congenital adrenal hyperplasia, CYP11B1-related. Q22* has not been observed in cases with relevant disease. Relevant functional assessments of this variant are not available in the literature. Q22* has not been observed in referenced population frequency databases. In summary, NM_000497.3(CYP11B1):c.64C>T(Q22*) is a nonsense variant in a gene where loss of function is a known mechanism of disease and is predicted to disrupt protein function. Please note: this variant was assessed in the context of healthy population screening.